The following is an entry in ClinVar:

ClinVar aggregate classification (germline): Pathogenic (1 of 4 stars; one submission).

Conditions:
Familial cancer of breast. Also called: hereditary breast carcinoma; Hereditary breast cancer; BREAST CANCER, FAMILIAL. Identifiers: Orphanet 227535, MedGen C0346153, MONDO:0016419, OMIM 114480. Disease mechanism: loss of function.

Submission:

Labcorp Genetics (formerly Invitae), Labcorp
Classification: Pathogenic for Familial cancer of breast. Last evaluated: 2025-04-30. Review status: criteria provided, single submitter. Criteria: Invitae Variant Classification Sherloc (09022015). Collection method: clinical testing. Allele origin: germline.
Comment: This sequence change creates a premature translational stop signal (p.Phe638Leufs*22) in the PALB2 gene. It is expected to result in an absent or disrupted protein product. Loss-of-function variants in PALB2 are known to be pathogenic (PMID: 17200668, 17200671, 17200672, 24136930, 25099575). This variant is not present in population databases (gnomAD no frequency). This variant has not been reported in the literature in individuals affected with PALB2-related conditions. ClinVar contains an entry for this variant (Variation ID: 1354921). For these reasons, this variant has been classified as Pathogenic.

Literature cited by the submitters: PubMed 17200668; PubMed 17200671; PubMed 17200672; PubMed 24136930; PubMed 25099575.

NM_024675.4(PALB2):c.1911del (p.Phe638fs)

Gene: PALB2 (partner and localizer of BRCA2; minus strand). Cytogenetic location: 16p12.2.
Variant type: Deletion.
Coding change: c.1911del on transcript NM_024675.4 (MANE Select); coding-DNA position 1911, one base deleted (C; older notation c.1911delC).
Protein change: p.Phe638fs; shifts the reading frame from phenylalanine 638.
Molecular consequence: frameshift variant.
Genome position (GRCh38, 1-based): chr16:23,630,243, G deleted on the plus strand (C on the coding strand, the reverse complement: PALB2 is on the minus strand); the first of 3 consecutive G bases (chr16:23,630,243-23,630,245); deleting any one gives the same sequence. VCF-style (leftmost placement, unchanged base first): chr16-23630242-AG-A. GRCh37 (hg19) VCF-style: chr16-23641563-AG-A.
Other names: short protein forms F638fs.
Identifiers: ClinVar variation 1354921 (VCV001354921.7), dbSNP rs2142386226, ClinGen allele CA2573152148.